The following is an entry in ClinVar:

ClinVar aggregate classification (germline): Uncertain significance. Review status: criteria provided, multiple submitters, no conflicts (2 of 4 stars). 2 submissions from 2 submitters: Uncertain significance (2). Last evaluated 2026-02-12.

Conditions:
Inborn genetic diseases. Identifiers: MedGen C0950123, MeSH D030342.

Allele frequency attached by ClinVar (database versions not stated): gnomAD exomes below 0.00001; TOPMed 0.00002; gnomAD 0.00003.
gnomAD v4.1: 6 of 1,614,112 alleles (0.00037%); highest among the groups gnomAD compares: African/African-American, 0.008%; no homozygotes.

Submissions (2):

GeneDx
Classification: Uncertain significance. Last evaluated: 2026-02-12. Review status: criteria provided, single submitter. Criteria: GeneDx Variant Classification Process June 2021. Collection method: clinical testing. Allele origin: germline.
Comment: In silico analysis suggests that this missense variant does not alter protein structure/function; Has not been previously published as pathogenic or benign to our knowledge

Ambry Genetics
Classification: Uncertain significance for Inborn genetic diseases. Last evaluated: 2023-06-02. Review status: criteria provided, single submitter. Criteria: Ambry Variant Classification Scheme 2023. Collection method: clinical testing. Allele origin: germline.

NM_181507.2(HPS5):c.2131A>G (p.Arg711Gly)

Gene: HPS5 (HPS5 biogenesis of lysosomal organelles complex 2 subunit 2; minus strand). Cytogenetic location: 11p15.1.
Variant type: single nucleotide variant.
Coding change: c.2131A>G on transcript NM_181507.2 (MANE Select); coding-DNA position 2131, A replaced by G.
Protein change: p.Arg711Gly; replaces arginine 711 with glycine.
Molecular consequence: missense variant.
Genome position (GRCh38, 1-based): chr11:18,291,751, T>C on the plus strand (A>G on the coding strand, the complement: HPS5 is on the minus strand). VCF-style: chr11-18291751-T-C. GRCh37 (hg19) VCF-style: chr11-18313298-T-C.
Other names: c.1789A>G, p.Arg597Gly (NM_007216.4, NM_181508.2); short protein forms R597G, R711G.
Identifiers: ClinVar variation 2555738 (VCV002555738.3), dbSNP rs927578042, ClinGen allele CA218538821.